The following is an entry in ClinVar:

ClinVar aggregate classification (germline): Uncertain significance (1 of 4 stars; one submission).

Submission:

GeneDx
Classification: Uncertain significance. Last evaluated: 2023-05-11. Review status: criteria provided, single submitter. Criteria: GeneDx Variant Classification Process June 2021. Collection method: clinical testing. Allele origin: germline. Affected: yes.
Comment: Not observed at significant frequency in large population cohorts (gnomAD); In silico analysis supports that this missense variant has a deleterious effect on protein structure/function; Has not been previously published as pathogenic or benign to our knowledge

NM_004595.5(SMS):c.182T>C (p.Leu61Ser)

Gene: SMS (spermine synthase; plus strand). Cytogenetic location: Xp22.11.
Variant type: single nucleotide variant.
Coding change: c.182T>C on transcript NM_004595.5 (MANE Select); coding-DNA position 182, T replaced by C.
Protein change: p.Leu61Ser; replaces leucine 61 with serine.
Molecular consequence: missense variant. On other transcripts: intron variant (1).
Genome position (GRCh38, 1-based): chrX:21,971,908, T>C. VCF-style: chrX-21971908-T-C. GRCh37 (hg19) VCF-style: chrX-21990026-T-C.
Other names: c.170+4592T>C (NM_001258423.2); short protein forms L61S.
Identifiers: ClinVar variation 2663254 (VCV002663254.1), dbSNP rs2519662424, ClinGen allele CA412565083.
Genomic context (GRCh38, chrX:21,971,908, plus strand): 5'-TAATGCCCCGATACAATTCTTAAGCTTAAAATTATATTTTCCTTTGTAGCTTTGCCAATT[T>C]GAGAATTTACCCACATGGATTGGTGTTGCTGGACCTTCAGAGTTATGATGGTGATGCGCA-3'
Protein context (NP_004586.2, residues 51-71): YTNKNGSFAN[Leu61Ser]RIYPHGLVLL